The following is an entry in ClinVar:

NM_005908.4(MANBA):c.819del (p.Ile274fs)

Gene: MANBA (mannosidase beta; minus strand). Cytogenetic location: 4q24.
Variant type: Deletion.
Coding change: c.819del on transcript NM_005908.4 (MANE Select); coding-DNA position 819, one base deleted (G; older notation c.819delG).
Protein change: p.Ile274fs; shifts the reading frame from isoleucine 274.
Molecular consequence: frameshift variant.
Genome position (GRCh38, 1-based): chr4:102,690,626, C deleted on the plus strand (G on the coding strand, the reverse complement: MANBA is on the minus strand); the first of 2 consecutive C bases (chr4:102,690,626-102,690,627); deleting either gives the same sequence. VCF-style (leftmost placement, unchanged base first): chr4-102690625-TC-T. GRCh37 (hg19) VCF-style: chr4-103611782-TC-T.
Other names: short protein forms I274fs.
Identifiers: ClinVar variation 2748201 (VCV002748201.3), dbSNP rs2476807378, ClinGen allele CA2578156192.
Genomic context (GRCh38, chr4:102,690,625, plus strand): 5'-CCAGTGCTTCTCAGGAAGTACCATCATTTACCTTGCTAATGTTCACAAATAGCTCAACAA[TC>T]CTTTTCCCAGGTTGAAGTTCAATGCTGTATGTCTGTTGTGTTTGCAACTTAGGGATGGCT-3'

ClinVar aggregate classification (germline): Pathogenic (1 of 4 stars; one submission).

Conditions:
Beta-D-mannosidosis (MANSB). Also called: Beta-Mannosidosis; MANNOSIDOSIS, BETA A, LYSOSOMAL; BETA-MANNOSIDASE DEFICIENCY; LYSOSOMAL BETA-MANNOSIDASE DEFICIENCY. Identifiers: Orphanet 118, MedGen C4048196, MONDO:0009562, OMIM 248510.

Submission:

Labcorp Genetics (formerly Invitae), Labcorp
Classification: Pathogenic for Beta-D-mannosidosis. Last evaluated: 2023-07-29. Review status: criteria provided, single submitter. Criteria: Invitae Variant Classification Sherloc (09022015). Collection method: clinical testing. Allele origin: germline.
Comment: This sequence change creates a premature translational stop signal (p.Ile274Leufs*6) in the MANBA gene. It is expected to result in an absent or disrupted protein product. Loss-of-function variants in MANBA are known to be pathogenic (PMID: 9384606, 12468273). For these reasons, this variant has been classified as Pathogenic. This variant has not been reported in the literature in individuals affected with MANBA-related conditions. This variant is not present in population databases (gnomAD no frequency).

Literature cited by the submitters: PubMed 9384606; PubMed 12468273.